The following is an entry in ClinVar:

ClinVar aggregate classification (germline): Benign/Likely benign. Review status: criteria provided, multiple submitters, no conflicts (2 of 4 stars). 4 submissions from 2 submitters: Benign (3); Likely benign (1). Last evaluated 2018-01-13.

Conditions:
Channelopathy-associated congenital insensitivity to pain, autosomal recessive. Also called: Insensitivity to pain, channelopathy-associated; ASYMBOLIA FOR PAIN; CONGENITAL ANALGESIA, AUTOSOMAL RECESSIVE. Identifiers: Orphanet 88642, Orphanet 970, MedGen C1855739, MONDO:0009459, OMIM 243000.
Primary erythromelalgia. Also called: SCN9A Erythromelalgia (SCN9A-EM); primary erythermalgia. Identifiers: Orphanet 306577, Orphanet 90026, MedGen C0014805, MONDO:0007571, OMIM 133020.
Paroxysmal extreme pain disorder (PEXPD). Also called: PAIN, SUBMANDIBULAR, OCULAR, AND RECTAL, WITH FLUSHING; RECTAL PAIN, FAMILIAL; SCN9A Paroxysmal Extreme Pain Disorder (SCN9A-PEPD). Identifiers: Orphanet 46348, MedGen C1833661, MONDO:0008179, OMIM 167400.

Allele frequency attached by ClinVar (database versions not stated): 1000 Genomes Project 30x 0.00547; 1000 Genomes Project 0.00599; TOPMed 0.00939; gnomAD 0.01215 and 0.01263; gnomAD exomes 0.01447.

Submissions (4):

Illumina Laboratory Services, Illumina
Classification: Benign for Paroxysmal extreme pain disorder. Last evaluated: 2018-01-13. Review status: criteria provided, single submitter. Criteria: ICSL Variant Classification Criteria 13 December 2019. Collection method: clinical testing. Allele origin: germline.
Comment: This variant was observed in the ICSL laboratory as part of a predisposition screen in an ostensibly healthy population. It had not been previously curated by ICSL or reported in the Human Gene Mutation Database (HGMD: prior to June 1st, 2018), and was therefore a candidate for classification through an automated scoring system. Utilizing variant allele frequency, disease prevalence and penetrance estimates, and inheritance mode, an automated score was calculated to assess if this variant is too frequent to cause the disease. Based on the score and internal cut-off values, a variant classified as benign is not then subjected to further curation. The score for this variant resulted in a classification of benign for this disease.

Illumina Laboratory Services, Illumina
Classification: Benign for Channelopathy-associated congenital insensitivity to pain, autosomal recessive. Last evaluated: 2018-01-13. Review status: criteria provided, single submitter. Criteria: ICSL Variant Classification Criteria 13 December 2019. Collection method: clinical testing. Allele origin: germline.
Comment: the same text as in the submission from Illumina Laboratory Services, Illumina above.

Illumina Laboratory Services, Illumina
Classification: Benign for Primary erythromelalgia. Last evaluated: 2018-01-13. Review status: criteria provided, single submitter. Criteria: ICSL Variant Classification Criteria 13 December 2019. Collection method: clinical testing. Allele origin: germline.
Comment: the same text as in the submission from Illumina Laboratory Services, Illumina above.

Breakthrough Genomics
Classification: Likely benign. Review status: criteria provided, single submitter. Criteria: ACMG Guidelines, 2015. Collection method: not provided. Allele origin: germline. Inheritance: Autosomal recessive inheritance. Affected: yes.

NM_001365536.1(SCN9A):c.*235T>C

Genes: SCN1A-AS1 (SCN1A and SCN9A antisense RNA 1; plus strand), SCN9A (sodium voltage-gated channel alpha subunit 9; minus strand). Cytogenetic location: 2q24.3.
Variant type: single nucleotide variant.
Coding change: c.*235T>C on transcript NM_001365536.1 (MANE Select); 235 bases downstream of the stop codon, T replaced by C.
Molecular consequence: 3 prime UTR variant.
Genome position (GRCh38, 1-based): chr2:166,198,437, A>G on the plus strand (T>C on the coding strand, the complement: SCN9A is on the minus strand). VCF-style: chr2-166198437-A-G. GRCh37 (hg19) VCF-style: chr2-167054947-A-G.
Other names: c.*235T>C (NM_002977.4).
Identifiers: ClinVar variation 331952 (VCV000331952.7), dbSNP rs140553451, ClinGen allele CA10612793.